The following is an entry in ClinVar:

NM_001277115.2(DNAH11):c.12052G>A (p.Val4018Ile)

Gene: DNAH11 (dynein axonemal heavy chain 11; plus strand). Cytogenetic location: 7p15.3.
Variant type: single nucleotide variant.
Coding change: c.12052G>A on transcript NM_001277115.2 (MANE Select); coding-DNA position 12052, G replaced by A.
Protein change: p.Val4018Ile; replaces valine 4018 with isoleucine.
Molecular consequence: missense variant.
Genome position (GRCh38, 1-based): chr7:21,873,358, G>A. VCF-style: chr7-21873358-G-A. GRCh37 (hg19) VCF-style: chr7-21912976-G-A.
Other names: c.12052G>A (NM_001277115.1); short protein forms V4018I.
Identifiers: ClinVar variation 1020806 (VCV001020806.9), dbSNP rs578153138, ClinGen allele CA4182959.

ClinVar aggregate classification (germline): Conflicting classifications of pathogenicity. Review status: criteria provided, conflicting classifications (1 of 4 stars). 3 submissions from 3 submitters: Uncertain significance (2); Benign (1). Last evaluated 2026-05-14.

Conditions:
Primary ciliary dyskinesia. Also called: Ciliary dyskinesia. Identifiers: Orphanet 244, MedGen C0008780, MONDO:0016575, HP:0012265.
Primary ciliary dyskinesia 7. Also called: CILIARY DYSKINESIA, PRIMARY, 7, WITH OR WITHOUT SITUS INVERSUS. Identifiers: Orphanet 244, MedGen C2678473, MONDO:0012748, OMIM 611884.

Allele frequency attached by ClinVar (database versions not stated): gnomAD below 0.00001 and 0.00003; TOPMed 0.00001; gnomAD exomes 0.00004 and 0.00006; ExAC 0.00007.
gnomAD v4.1: 64 of 1,613,762 alleles (0.004%); highest among the groups gnomAD compares: South Asian, 0.056%; no homozygotes.

Submissions (3):

Ambry Genetics
Classification: Uncertain significance for Primary ciliary dyskinesia. Last evaluated: 2026-05-14. Review status: criteria provided, single submitter. Criteria: Ambry Variant Classification Scheme 2023. Collection method: clinical testing. Allele origin: germline.
Comment: The p.V4018I variant (also known as c.12052G>A), located in coding exon 74 of the DNAH11 gene, results from a G to A substitution at nucleotide position 12052. The valine at codon 4018 is replaced by isoleucine, an amino acid with highly similar properties. This amino acid position is conserved. In addition, this alteration is predicted to be tolerated by in silico analysis. Based on the available evidence, the clinical significance of this variant remains unclear.

Labcorp Genetics (formerly Invitae), Labcorp
Classification: Benign for Primary ciliary dyskinesia. Last evaluated: 2024-01-24. Review status: criteria provided, single submitter. Criteria: Invitae Variant Classification Sherloc (09022015). Collection method: clinical testing. Allele origin: germline.

Neuberg Centre For Genomic Medicine, NCGM
Classification: Uncertain significance for Primary ciliary dyskinesia 7. Review status: criteria provided, single submitter. Criteria: ACMG Guidelines, 2015. Collection method: clinical testing. Allele origin: germline. Inheritance: Autosomal recessive inheritance. Affected: yes.